The following is an entry in ClinVar:

NM_002241.5(KCNJ10):c.63G>T (p.Met21Ile)

Gene: KCNJ10 (potassium inwardly rectifying channel subfamily J member 10; minus strand). Cytogenetic location: 1q23.2.
Variant type: single nucleotide variant.
Coding change: c.63G>T on transcript NM_002241.5 (MANE Select); coding-DNA position 63, G replaced by T.
Protein change: p.Met21Ile; replaces methionine 21 with isoleucine.
Molecular consequence: missense variant.
Genome position (GRCh38, 1-based): chr1:160,042,470, C>A on the plus strand (G>T on the coding strand, the complement: KCNJ10 is on the minus strand). VCF-style: chr1-160042470-C-A. GRCh37 (hg19) VCF-style: chr1-160012260-C-A.
Other names: short protein forms M21I.
Identifiers: ClinVar variation 1494859 (VCV001494859.6), dbSNP rs746292052, ClinGen allele CA1193302.

ClinVar aggregate classification (germline): Uncertain significance (1 of 4 stars; one submission).

Conditions:
EAST syndrome (SESAMES). Also called: SEIZURES, SENSORINEURAL DEAFNESS, ATAXIA, IMPAIRED INTELLECTUAL DEVELOPMENT, AND ELECTROLYTE IMBALANCE. Identifiers: Orphanet 199343, MedGen C2748572, MONDO:0013005, OMIM 612780.

Submission:

Labcorp Genetics (formerly Invitae), Labcorp
Classification: Uncertain significance for EAST syndrome. Last evaluated: 2024-11-18. Review status: criteria provided, single submitter. Criteria: Invitae Variant Classification Sherloc (09022015). Collection method: clinical testing. Allele origin: germline.
Comment: This sequence change replaces methionine, which is neutral and non-polar, with isoleucine, which is neutral and non-polar, at codon 21 of the KCNJ10 protein (p.Met21Ile). This variant is present in population databases (rs746292052, gnomAD 0.006%). This variant has not been reported in the literature in individuals affected with KCNJ10-related conditions. ClinVar contains an entry for this variant (Variation ID: 1494859). Invitae Evidence Modeling of protein sequence and biophysical properties (such as structural, functional, and spatial information, amino acid conservation, physicochemical variation, residue mobility, and thermodynamic stability) indicates that this missense variant is not expected to disrupt KCNJ10 protein function with a negative predictive value of 95%. In summary, the available evidence is currently insufficient to determine the role of this variant in disease. Therefore, it has been classified as a Variant of Uncertain Significance.